The following is an entry in ClinVar:

ClinVar aggregate classification (germline): Conflicting classifications of pathogenicity. Review status: criteria provided, conflicting classifications (1 of 4 stars). 2 submissions from 2 submitters: Uncertain significance (1); Likely benign (1). Last evaluated 2025-06-12.

Conditions:
Inborn genetic diseases. Identifiers: MedGen C0950123, MeSH D030342.
KBG syndrome (KBGS). Also called: ANKRD11-Related KBG Syndrome. Identifiers: Orphanet 2332, MedGen C0220687, MONDO:0007846, OMIM 148050.

Allele frequency attached by ClinVar (database versions not stated): gnomAD exomes below 0.00001; ExAC 0.00005; gnomAD 0.00005; TOPMed 0.00005; ESP Exome Variant Server 0.00015; 1000 Genomes Project 30x 0.00016; 1000 Genomes Project 0.00020.
gnomAD v4.1: 12 of 1,614,162 alleles (0.00074%); highest among the groups gnomAD compares: African/African-American, 0.013%; no homozygotes.

Submissions (2):

Labcorp Genetics (formerly Invitae), Labcorp
Classification: Uncertain significance for KBG syndrome. Last evaluated: 2025-06-12. Review status: criteria provided, single submitter. Criteria: Invitae Variant Classification Sherloc (09022015). Collection method: clinical testing. Allele origin: germline.
Comment: This sequence change replaces serine, which is neutral and polar, with arginine, which is basic and polar, at codon 537 of the ANKRD11 protein (p.Ser537Arg). This variant is present in population databases (rs138975807, gnomAD 0.02%). This variant has not been reported in the literature in individuals affected with ANKRD11-related conditions. ClinVar contains an entry for this variant (Variation ID: 2713339). Invitae Evidence Modeling of protein sequence and biophysical properties (such as structural, functional, and spatial information, amino acid conservation, physicochemical variation, residue mobility, and thermodynamic stability) indicates that this missense variant is not expected to disrupt ANKRD11 protein function with a negative predictive value of 95%. In summary, the available evidence is currently insufficient to determine the role of this variant in disease. Therefore, it has been classified as a Variant of Uncertain Significance.

Ambry Genetics
Classification: Likely benign for Inborn genetic diseases. Last evaluated: 2024-08-01. Review status: criteria provided, single submitter. Criteria: Ambry Variant Classification Scheme 2023. Collection method: clinical testing. Allele origin: germline.

NM_013275.6(ANKRD11):c.1609A>C (p.Ser537Arg)

Gene: ANKRD11 (ankyrin repeat domain 11; minus strand). Cytogenetic location: 16q24.3.
Variant type: single nucleotide variant.
Coding change: c.1609A>C on transcript NM_013275.6 (MANE Select); coding-DNA position 1609, A replaced by C.
Protein change: p.Ser537Arg; replaces serine 537 with arginine.
Molecular consequence: missense variant.
Genome position (GRCh38, 1-based): chr16:89,284,933, T>G on the plus strand (A>C on the coding strand, the complement: ANKRD11 is on the minus strand). VCF-style: chr16-89284933-T-G. GRCh37 (hg19) VCF-style: chr16-89351341-T-G.
Other names: c.1609A>C, p.Ser537Arg (NM_001256182.2, NM_001256183.2); c.1609A>C (NM_013275.4); short protein forms S537R.
Identifiers: ClinVar variation 2713339 (VCV002713339.3), dbSNP rs138975807, ClinGen allele CA8242735.